The following is an entry in ClinVar:

NM_203447.4(DOCK8):c.6201A>G (p.Glu2067=)

Gene: DOCK8 (dedicator of cytokinesis 8; plus strand). Cytogenetic location: 9p24.3.
Variant type: single nucleotide variant.
Coding change: c.6201A>G on transcript NM_203447.4 (MANE Select); coding-DNA position 6201, A replaced by G.
Protein change: p.Glu2067=; no amino-acid change (glutamic acid 2067 retained).
Molecular consequence: synonymous variant.
Genome position (GRCh38, 1-based): chr9:463,649, A>G. VCF-style: chr9-463649-A-G. GRCh37 (hg19) VCF-style: chr9-463649-A-G.
Other names: p.Glu2067=; c.5901A>G, p.Glu1967= (NM_001190458.2); c.5997A>G, p.Glu1999= (NM_001193536.2).
Identifiers: ClinVar variation 367094 (VCV000367094.47), dbSNP rs145573166, ClinGen allele CA4959721.

ClinVar aggregate classification (germline): Benign/Likely benign. Review status: criteria provided, multiple submitters, no conflicts (2 of 4 stars). 10 submissions from 10 submitters: Benign (1); Likely benign (7). 2 of the submissions do not count toward it. Last evaluated 2026-02-01.

Conditions:
Combined immunodeficiency due to DOCK8 deficiency (HIES2). Also called: HYPER-IgE RECURRENT INFECTION SYNDROME 2, AUTOSOMAL RECESSIVE; HIES autosomal recessive; HYPER-IgE SYNDROME 2, AUTOSOMAL RECESSIVE, WITH RECURRENT INFECTIONS; DOCK8 Deficiency; Hyper-IgE recurrent infection syndrome, autosomal recessive. Identifiers: Orphanet 217390, MedGen C4722305, MONDO:0009478, OMIM 243700.

Allele frequency attached by ClinVar (database versions not stated): gnomAD 0.00221 and 0.00210; TOPMed 0.00236; 1000 Genomes Project 0.00240; ESP Exome Variant Server 0.00269; gnomAD exomes 0.00106; 1000 Genomes Project 30x 0.00219.
gnomAD v4.1: 2,497 of 1,613,664 alleles (0.15%); highest among the groups gnomAD compares: African/African-American, 0.5%; 7 homozygotes.

Submissions (10):

Labcorp Genetics (formerly Invitae), Labcorp
Classification: Benign for Combined immunodeficiency due to DOCK8 deficiency. Last evaluated: 2026-02-01. Review status: criteria provided, single submitter. Criteria: Invitae Variant Classification Sherloc (09022015). Collection method: clinical testing. Allele origin: germline.

Women's Health and Genetics/Laboratory Corporation of America, LabCorp
Classification: Likely benign. Last evaluated: 2026-01-23. Review status: criteria provided, single submitter. Criteria: LabCorp Variant Classification Summary - May 2015. Collection method: clinical testing. Allele origin: germline.

Mayo Clinic Laboratories, Mayo Clinic
Classification: Likely benign. Last evaluated: 2025-05-21. Review status: criteria provided, single submitter. Criteria: ACMG Guidelines, 2015. Collection method: clinical testing. Allele origin: germline. Observed: 2 variant alleles.
Comment: BS1, BP4, BP7

CeGaT Center for Human Genetics Tuebingen
Classification: Likely benign. Last evaluated: 2025-02-01. Review status: criteria provided, single submitter. Criteria: CeGaT Center For Human Genetics Tuebingen Variant Classification Criteria Version 2. Collection method: clinical testing. Allele origin: germline. Affected: yes. Observed: 3 variant alleles.
Comment: DOCK8: BP4, BP7

Blueprint Genetics
Classification: Likely benign. Last evaluated: 2024-11-27. Review status: criteria provided, single submitter. Criteria: ACMG Guidelines, 2015. Collection method: clinical testing. Allele origin: germline.

Genetic Services Laboratory, University of Chicago
Classification: Likely benign. Last evaluated: 2021-07-29. Review status: criteria provided, single submitter. Criteria: ACMG Guidelines, 2015. Collection method: clinical testing. Allele origin: germline. Affected: no.

Illumina Laboratory Services, Illumina
Classification: Likely benign for Combined immunodeficiency due to DOCK8 deficiency. Last evaluated: 2018-01-12. Review status: criteria provided, single submitter. Criteria: ICSL Variant Classification Criteria 13 December 2019. Collection method: clinical testing. Allele origin: germline.
Comment: This variant was observed in the ICSL laboratory as part of a predisposition screen in an ostensibly healthy population. It had not been previously curated by ICSL or reported in the Human Gene Mutation Database (HGMD: prior to June 1st, 2018), and was therefore a candidate for classification through an automated scoring system. Utilizing variant allele frequency, disease prevalence and penetrance estimates, and inheritance mode, an automated score was calculated to assess if this variant is too frequent to cause the disease. Based on the score and internal cut-off values, a variant classified as likely benign is not then subjected to further curation. The score for this variant resulted in a classification of likely benign for this disease.

GeneDx
Classification: Likely benign. Last evaluated: 2017-08-14. Review status: criteria provided, single submitter. Criteria: GeneDx Variant Classification (06012015). Collection method: clinical testing. Allele origin: germline. Affected: yes.
Comment: This variant is considered likely benign or benign based on one or more of the following criteria: it is a conservative change, it occurs at a poorly conserved position in the protein, it is predicted to be benign by multiple in silico algorithms, and/or has population frequency not consistent with disease.

Clinical Genetics DNA and cytogenetics Diagnostics Lab, Erasmus MC, Erasmus Medical Center
Classification: Likely benign. Review status: no assertion criteria provided. Collection method: clinical testing. Allele origin: germline. Affected: yes. Study: VKGL Data-share Consensus. Not counted in ClinVar's aggregate classification.

Genome Diagnostics Laboratory, University Medical Center Utrecht
Classification: Likely benign. Review status: no assertion criteria provided. Collection method: clinical testing. Allele origin: germline. Affected: yes. Study: VKGL Data-share Consensus. Not counted in ClinVar's aggregate classification.